The following is an entry in ClinVar:

ClinVar aggregate classification (germline): Pathogenic (1 of 4 stars; one submission).

Conditions:
Primary ciliary dyskinesia. Also called: Ciliary dyskinesia. Identifiers: Orphanet 244, MedGen C0008780, MONDO:0016575, HP:0012265.

Submission:

Labcorp Genetics (formerly Invitae), Labcorp
Classification: Pathogenic for Primary ciliary dyskinesia. Last evaluated: 2024-05-13. Review status: criteria provided, single submitter. Criteria: Invitae Variant Classification Sherloc (09022015). Collection method: clinical testing. Allele origin: germline.
Comment: This sequence change creates a premature translational stop signal (p.Gln298*) in the CCDC39 gene. It is expected to result in an absent or disrupted protein product. Loss-of-function variants in CCDC39 are known to be pathogenic (PMID: 21131972, 23255504). This variant is not present in population databases (gnomAD no frequency). This variant has not been reported in the literature in individuals affected with CCDC39-related conditions. Algorithms developed to predict the effect of sequence changes on RNA splicing suggest that this variant may disrupt the consensus splice site. For these reasons, this variant has been classified as Pathogenic.

Literature cited by the submitters: PubMed 21131972; PubMed 23255504.

NM_181426.2(CCDC39):c.892C>T (p.Gln298Ter)

Gene: CCDC39 (coiled-coil domain 39 molecular ruler complex subunit; minus strand). Cytogenetic location: 3q26.33.
Variant type: single nucleotide variant.
Coding change: c.892C>T on transcript NM_181426.2 (MANE Select); coding-DNA position 892, C replaced by T.
Protein change: p.Gln298Ter; replaces glutamine 298 with a stop codon.
Molecular consequence: nonsense.
Genome position (GRCh38, 1-based): chr3:180,654,800, G>A on the plus strand (C>T on the coding strand, the complement: CCDC39 is on the minus strand). VCF-style: chr3-180654800-G-A. GRCh37 (hg19) VCF-style: chr3-180372588-G-A.
Other names: short protein forms Q298*.
Identifiers: ClinVar variation 3653221 (VCV003653221.2).